The following is an entry in ClinVar:

NM_000260.4(MYO7A):c.1445T>C (p.Ile482Thr)

Gene: MYO7A (myosin VIIA; plus strand). Cytogenetic location: 11q13.5.
Variant type: single nucleotide variant.
Coding change: c.1445T>C on transcript NM_000260.4 (MANE Select); coding-DNA position 1445, T replaced by C.
Protein change: p.Ile482Thr; replaces isoleucine 482 with threonine.
Molecular consequence: missense variant.
Genome position (GRCh38, 1-based): chr11:77,162,221, T>C. VCF-style: chr11-77162221-T-C. GRCh37 (hg19) VCF-style: chr11-76873267-T-C.
Other names: c.1445T>C, p.Ile482Thr (NM_001127180.2); c.1412T>C, p.Ile471Thr (NM_001369365.1); short protein forms I471T, I482T.
Identifiers: ClinVar variation 4531348 (VCV004531348.1).

ClinVar aggregate classification (germline): Uncertain significance (1 of 4 stars; one submission).

Conditions:
Autosomal dominant nonsyndromic hearing loss 11. Identifiers: Orphanet 90635, MedGen C1832475, MONDO:0011032, OMIM 601317.

gnomAD v4.1: 3 of 1,582,450 alleles (0.00019%); highest among the groups gnomAD compares: South Asian, 0.0012%; no homozygotes.

Submission:

Victorian Clinical Genetics Services, Murdoch Childrens Research Institute
Classification: Uncertain significance for Autosomal dominant nonsyndromic hearing loss 11. Last evaluated: 2025-07-24. Review status: criteria provided, single submitter. Criteria: ACMG Guidelines, 2015. Collection method: clinical testing. Allele origin: germline. Affected: yes.
Comment: This variant is classified as VUS-3A. Evidence in support of pathogenic classification: Variant is present in gnomAD <0.01 (v4: 3 heterozygote(s), 0 homozygote(s)); Missense variant predicted to be damaging by in silico tool(s) or highly conserved with a major amino acid change. Additional information: Variant is predicted to result in a missense amino acid change from Ile to Thr; This variant is heterozygous; This gene is associated with both recessive and dominant disease. While the genotype-phenotype correlation is unestablished, missense variants causing autosomal dominant inheritance are rare and are not localised to a specific protein region (OMIM); Alternative amino acid change(s) at the same position are present in gnomAD (Highest allele count: v4: 3 heterozygote(s), 0 homozygote(s)); This variant has no previous evidence of pathogenicity; No published evidence of segregation with disease has been identified for this variant; No published functional evidence has been identified for this variant; No comparable missense variants have previous evidence for pathogenicity; Variant is located in the annotated myosin head domain (DECIPHER); Loss of function is a known mechanism of disease in this gene and is associated with deafness, autosomal dominant 11 (MIM#601317), deafness, autosomal recessive 2 (MIM#600060) and Usher syndrome, type 1B (MIM#276900). In addition, dominant negative is the suggested mechanism for missense variants in autosomal dominant inheritance (OMIM, PMID: 23383098); Inheritance information for this variant is not currently available in this individual.

Literature cited by the submitters: PubMed 23383098.